The following is an entry in ClinVar:

NM_001127453.2(GSDME):c.236A>G (p.Lys79Arg)

Gene: GSDME (gasdermin E; minus strand). Cytogenetic location: 7p15.3.
Variant type: single nucleotide variant.
Coding change: c.236A>G on transcript NM_001127453.2 (MANE Select); coding-DNA position 236, A replaced by G.
Protein change: p.Lys79Arg; replaces lysine 79 with arginine.
Molecular consequence: missense variant. On other transcripts: 5 prime UTR variant (1).
Genome position (GRCh38, 1-based): chr7:24,744,730, T>C on the plus strand (A>G on the coding strand, the complement: GSDME is on the minus strand). VCF-style: chr7-24744730-T-C. GRCh37 (hg19) VCF-style: chr7-24784349-T-C.
Other names: c.-257A>G (NM_001127454.2); c.236A>G, p.Lys79Arg (NM_004403.3); short protein forms K79R.
Identifiers: ClinVar variation 1303513 (VCV001303513.2), dbSNP rs2128063094, ClinGen allele CA367048867.

ClinVar aggregate classification (germline): Uncertain significance (1 of 4 stars; one submission).

Submission:

GeneDx
Classification: Uncertain significance. Last evaluated: 2019-09-25. Review status: criteria provided, single submitter. Criteria: GeneDx Variant Classification Process June 2021. Collection method: clinical testing. Allele origin: germline. Affected: yes.
Comment: Not observed in large population cohorts (Lek et al., 2016); In silico analysis, which includes protein predictors and evolutionary conservation, supports that this variant does not alter protein structure/function; Has not been previously published as pathogenic or benign to our knowledge